The following is an entry in ClinVar:

NM_144670.6(A2ML1):c.3869C>G (p.Thr1290Ser)

Gene: A2ML1 (alpha-2-macroglobulin like 1; plus strand). Cytogenetic location: 12p13.31.
Variant type: single nucleotide variant.
Coding change: c.3869C>G on transcript NM_144670.6 (MANE Select); coding-DNA position 3869, C replaced by G.
Protein change: p.Thr1290Ser; replaces threonine 1290 with serine.
Molecular consequence: missense variant.
Genome position (GRCh38, 1-based): chr12:8,867,993, C>G. VCF-style: chr12-8867993-C-G. GRCh37 (hg19) VCF-style: chr12-9020589-C-G.
Other names: c.2396C>G, p.Thr799Ser (NM_001282424.3); short protein forms T1290S, T799S.
Identifiers: ClinVar variation 4635630 (VCV004635630.1).
Genomic context (GRCh38, chr12:8,867,993, plus strand): 5'-AGAATTTCCAGCGCACATTCAACATACAGTCAGTTAACAGATTGGTATTTCAGCAGGATA[C>G]CCTGCCCAATGTCCCTGGAATGTACACGTTGGAGGCCTCAGGCCAGGGCTGTGTCTATGT-3'
Protein context (NP_653271.3, residues 1280-1300): SVNRLVFQQD[Thr1290Ser]LPNVPGMYTL

ClinVar aggregate classification (germline): Uncertain significance (1 of 4 stars; one submission).

Submission:

Ambry Genetics
Classification: Uncertain significance. Last evaluated: 2025-10-05. Review status: criteria provided, single submitter. Criteria: Ambry Variant Classification Scheme 2023. Collection method: clinical testing. Allele origin: germline.
Comment: The p.T1290S variant (also known as c.3869C>G), located in coding exon 30 of the A2ML1 gene, results from a C to G substitution at nucleotide position 3869. The threonine at codon 1290 is replaced by serine, an amino acid with similar properties. This amino acid position is conserved. In addition, this alteration is predicted to be tolerated by in silico analysis. Based on the available evidence, the clinical significance of this variant remains unclear.